The following is an entry in ClinVar:

ClinVar aggregate classification (germline): Uncertain significance. Review status: criteria provided, multiple submitters, no conflicts (2 of 4 stars). 2 submissions from 2 submitters: Uncertain significance (2). Last evaluated 2023-05-05.

Conditions:
Joubert syndrome 14 (JBTS14). Identifiers: MedGen C3280766, MONDO:0013745, OMIM 614424.

Allele frequency attached by ClinVar (database versions not stated): gnomAD exomes below 0.00001 and 0.00001; ExAC 0.00001; gnomAD 0.00001 and 0.00003; TOPMed 0.00001; 1000 Genomes Project 30x 0.00016; 1000 Genomes Project 0.00020.
gnomAD v4.1: 8 of 1,548,936 alleles (0.00052%); highest among the groups gnomAD compares: African/African-American, 0.0096%; no homozygotes.

Submissions (2):

Women's Health and Genetics/Laboratory Corporation of America, LabCorp
Classification: Uncertain significance. Last evaluated: 2023-05-05. Review status: criteria provided, single submitter. Criteria: LabCorp Variant Classification Summary - May 2015. Collection method: clinical testing. Allele origin: germline.

Labcorp Genetics (formerly Invitae), Labcorp
Classification: Uncertain significance for Joubert syndrome 14. Last evaluated: 2022-08-23. Review status: criteria provided, single submitter. Criteria: Invitae Variant Classification Sherloc (09022015). Collection method: clinical testing. Allele origin: germline.
Comment: This sequence change falls in intron 9 of the TMEM237 gene. It does not directly change the encoded amino acid sequence of the TMEM237 protein. It affects a nucleotide within the consensus splice site. This variant is present in population databases (rs530769303, gnomAD 0.007%). This variant has not been reported in the literature in individuals affected with TMEM237-related conditions. ClinVar contains an entry for this variant (Variation ID: 961783). Variants that disrupt the consensus splice site are a relatively common cause of aberrant splicing (PMID: 17576681, 9536098). Algorithms developed to predict the effect of sequence changes on RNA splicing suggest that this variant is not likely to affect RNA splicing. In summary, the available evidence is currently insufficient to determine the role of this variant in disease. Therefore, it has been classified as a Variant of Uncertain Significance.

Literature cited by the submitters: PubMed 17576681 (cited by Labcorp Genetics (formerly Invitae), Labcorp); PubMed 9536098 (cited by Labcorp Genetics (formerly Invitae), Labcorp).

NM_001044385.3(TMEM237):c.869+5T>C

Gene: TMEM237 (transmembrane protein 237; minus strand). Cytogenetic location: 2q33.1.
Variant type: single nucleotide variant.
Coding change: c.869+5T>C on transcript NM_001044385.3 (MANE Select); 5 bases into the intron after coding-DNA position 869, T replaced by C.
Molecular consequence: intron variant.
Genome position (GRCh38, 1-based): chr2:201,629,225, A>G on the plus strand (T>C on the coding strand, the complement: TMEM237 is on the minus strand). VCF-style: chr2-201629225-A-G. GRCh37 (hg19) VCF-style: chr2-202493948-A-G.
Other names: c.845+5T>C (NM_152388.4).
Identifiers: ClinVar variation 961783 (VCV000961783.3), dbSNP rs530769303, ClinGen allele CA2056383.
Genomic context (GRCh38, chr2:201,629,225, plus strand): 5'-GTGACACATTTTGCTCAGCATTTCCTCCTGAAGAAGTTAGACAGATCTGGAGTCATAGGC[A>G]TTACCTGTCAAAAGCTGAAATTGTACTCAGAGCCAAAAGCAAGTACAGAAGACTCTGGAA-3'